The following is an entry in ClinVar:

NM_024426.6(WT1):c.327G>C (p.Pro109=)

Genes: WT1 (WT1 transcription factor; minus strand), LOC107982234 (WT1/WT1-AS bi-directional promoter region; plus strand). Cytogenetic location: 11p13.
Variant type: single nucleotide variant.
Coding change: c.327G>C on transcript NM_024426.6 (MANE Select); coding-DNA position 327, G replaced by C.
Protein change: p.Pro109=; no amino-acid change (proline 109 retained).
Molecular consequence: synonymous variant. On other transcripts: non-coding transcript variant (1).
Genome position (GRCh38, 1-based): chr11:32,435,034, C>G on the plus strand (G>C on the coding strand, the complement: WT1 is on the minus strand). VCF-style: chr11-32435034-C-G. GRCh37 (hg19) VCF-style: chr11-32456580-C-G.
Other names: c.327G>C, p.Pro109= (NM_000378.6, NM_024424.5); c.312G>C (NM_024426.4).
Identifiers: ClinVar variation 1159790 (VCV001159790.11), dbSNP rs777059515, ClinGen allele CA064841.

ClinVar aggregate classification (germline): Likely benign. Review status: criteria provided, multiple submitters, no conflicts (2 of 4 stars). 3 submissions from 3 submitters: Likely benign (3). Last evaluated 2026-01-26.

Conditions:
Drash syndrome (DDS). Also called: NEPHROPATHY, WILMS TUMOR, AND GENITAL ANOMALIES; WILMS TUMOR AND PSEUDO- OR TRUE HERMAPHRODITISM. Identifiers: Orphanet 220, MedGen C0950121, MONDO:0008682, OMIM 194080.
Frasier syndrome. Identifiers: Orphanet 347, MedGen C0950122, MeSH D052159, MONDO:0007635, OMIM 136680.
Wilms tumor 1 (WT1). Also called: Wilms tumor, somatic. Identifiers: Orphanet 654, MedGen CN033288, MONDO:0008679, OMIM 194070.
11p partial monosomy syndrome (WAGR). Also called: WAGR Spectrum Disorder; WAGR syndrome; WAGR Complex; CHROMOSOME 11p13 DELETION SYNDROME. Identifiers: Orphanet 893, MedGen C0206115, MONDO:0008681, OMIM 194072.
Inborn genetic diseases. Identifiers: MedGen C0950123, MeSH D030342.

Allele frequency attached by ClinVar (database versions not stated): gnomAD exomes below 0.00001; gnomAD 0.00002 and 0.00003; TOPMed 0.00003.
gnomAD v4.1: 7 of 1,464,164 alleles (0.00048%); highest among the groups gnomAD compares: African/African-American, 0.0075%; no homozygotes.

Submissions (3):

Labcorp Genetics (formerly Invitae), Labcorp
Classification: Likely benign for Wilms tumor 1; Drash syndrome; 11p partial monosomy syndrome; Frasier syndrome. Last evaluated: 2026-01-26. Review status: criteria provided, single submitter. Criteria: Invitae Variant Classification Sherloc (09022015). Collection method: clinical testing. Allele origin: germline.

Ambry Genetics
Classification: Likely benign for Inborn genetic diseases. Last evaluated: 2025-04-28. Review status: criteria provided, single submitter. Criteria: Ambry Variant Classification Scheme 2023. Collection method: clinical testing. Allele origin: germline.

All of Us Research Program, National Institutes of Health
Classification: Likely benign for Wilms tumor 1. Last evaluated: 2023-11-20. Review status: criteria provided, single submitter. Criteria: ACMG Guidelines, 2015. Collection method: clinical testing. Allele origin: germline. Inheritance: Autosomal dominant inheritance. Observed: 2 variant alleles, 2 heterozygotes.
Comment: This study involves interpretation of variants in research participants for the purpose of population health screening. Participant phenotype was not available at the time of variant classification. Additional details can be found in publication PMID: 35346344, PMCID: PMC8962531